The following is an entry in ClinVar:

ClinVar aggregate classification (germline): Uncertain significance (1 of 4 stars; one submission).

Conditions:
Hermansky-Pudlak syndrome 2 (HPS2). Also called: Platelet defects and oculocutaneous albinism. Identifiers: Orphanet 183678, Orphanet 79430, MedGen C1842362, MONDO:0011997, OMIM 608233.

Submission:

Labcorp Genetics (formerly Invitae), Labcorp
Classification: Uncertain significance for Hermansky-Pudlak syndrome 2. Last evaluated: 2024-10-27. Review status: criteria provided, single submitter. Criteria: Invitae Variant Classification Sherloc (09022015). Collection method: clinical testing. Allele origin: germline.
Comment: This sequence change replaces aspartic acid, which is acidic and polar, with asparagine, which is neutral and polar, at codon 217 of the AP3B1 protein (p.Asp217Asn). This variant is not present in population databases (gnomAD no frequency). This variant has not been reported in the literature in individuals affected with AP3B1-related conditions. An algorithm developed to predict the effect of missense changes on protein structure and function (PolyPhen-2) suggests that this variant is likely to be tolerated. In summary, the available evidence is currently insufficient to determine the role of this variant in disease. Therefore, it has been classified as a Variant of Uncertain Significance.

NM_003664.5(AP3B1):c.649G>A (p.Asp217Asn)

Gene: AP3B1 (adaptor related protein complex 3 subunit beta 1; minus strand). Cytogenetic location: 5q14.1.
Variant type: single nucleotide variant.
Coding change: c.649G>A on transcript NM_003664.5 (MANE Select); coding-DNA position 649, G replaced by A.
Protein change: p.Asp217Asn; replaces aspartic acid 217 with asparagine.
Molecular consequence: missense variant.
Genome position (GRCh38, 1-based): chr5:78,216,192, C>T on the plus strand (G>A on the coding strand, the complement: AP3B1 is on the minus strand). VCF-style: chr5-78216192-C-T. GRCh37 (hg19) VCF-style: chr5-77512016-C-T.
Other names: c.502G>A, p.Asp168Asn (NM_001271769.2); c.649G>A, p.Asp217Asn (NM_001410752.1); short protein forms D217N, D168N.
Identifiers: ClinVar variation 3723882 (VCV003723882.2).